The following is an entry in ClinVar:

ClinVar aggregate classification (germline): Uncertain significance. Review status: criteria provided, multiple submitters, no conflicts (2 of 4 stars). 2 submissions from 2 submitters: Uncertain significance (2). Last evaluated 2025-03-23.

Conditions:
BBS9-related ciliopathy. Identifiers: MedGen CN375911, MONDO:0700236.
BBS9-related disorder. Also called: BBS9-related condition.

gnomAD v4.1: 16 of 1,613,878 alleles (0.00099%); highest among the groups gnomAD compares: Non-Finnish European, 0.0014%; no homozygotes.

Submissions (2):

PreventionGenetics, part of Exact Sciences
Classification: Uncertain significance for BBS9-related condition. Last evaluated: 2025-03-23. Review status: criteria provided, single submitter. Criteria: ACMG Guidelines, 2015. Collection method: clinical testing. Allele origin: germline.
Comment: The BBS9 c.2263G>A variant is predicted to result in the amino acid substitution p.Ala755Thr. To our knowledge, this variant has not been reported in the literature. This variant is reported in 0.0018% of alleles in individuals of European (Non-Finnish) descent in gnomAD. At this time, the clinical significance of this variant is uncertain due to the absence of conclusive functional and genetic evidence.

Department of Pathology and Laboratory Medicine, Sinai Health System
Classification: Uncertain significance for BBS9-related ciliopathy. Last evaluated: 2023-10-15. Review status: criteria provided, single submitter. Criteria: ACMG Guidelines, 2015. Collection method: research. Allele origin: germline.

NM_198428.3(BBS9):c.2263G>A (p.Ala755Thr)

Gene: BBS9 (Bardet-Biedl syndrome 9; plus strand). Cytogenetic location: 7p14.3.
Variant type: single nucleotide variant.
Coding change: c.2263G>A on transcript NM_198428.3 (MANE Select); coding-DNA position 2263, G replaced by A.
Protein change: p.Ala755Thr; replaces alanine 755 with threonine.
Molecular consequence: missense variant. On other transcripts: non-coding transcript variant (3), intron variant (1).
Genome position (GRCh38, 1-based): chr7:33,505,610, G>A. VCF-style: chr7-33505610-G-A. GRCh37 (hg19) VCF-style: chr7-33545222-G-A.
Other names: c.2158G>A, p.Ala720Thr (NM_001033604.2); c.2248G>A, p.Ala750Thr (NM_001033605.2); c.2263G>A, p.Ala755Thr (NM_001348036.1, NM_001348041.4, NM_001348043.3 and 1 more transcripts); c.1990G>A, p.Ala664Thr (NM_001348038.3); c.1885G>A, p.Ala629Thr (NM_001348039.3); c.2143G>A, p.Ala715Thr (NM_001348040.3, NM_014451.4); c.2128G>A, p.Ala710Thr (NM_001348042.3); c.1792G>A, p.Ala598Thr (NM_001348044.3); and 3 more; short protein forms A598T, A629T, A633T, A664T, A710T, A715T, A720T, A750T.
Identifiers: ClinVar variation 3780961 (VCV003780961.2).